The following is an entry in ClinVar:

NM_018896.5(CACNA1G):c.4663C>T (p.Arg1555Trp)

Gene: CACNA1G (calcium voltage-gated channel subunit alpha1 G; plus strand). Cytogenetic location: 17q21.33.
Variant type: single nucleotide variant.
Coding change: c.4663C>T on transcript NM_018896.5 (MANE Select); coding-DNA position 4663, C replaced by T.
Protein change: p.Arg1555Trp; replaces arginine 1555 with tryptophan.
Molecular consequence: missense variant. On other transcripts: non-coding transcript variant (5).
Genome position (GRCh38, 1-based): chr17:50,607,977, C>T. VCF-style: chr17-50607977-C-T. GRCh37 (hg19) VCF-style: chr17-48685338-C-T.
Other names: c.4663C>T, p.Arg1555Trp (NM_001256324.2, NM_001256325.2, NM_001256327.2 and 9 more transcripts); c.4561C>T, p.Arg1521Trp (NM_001256326.2, NM_001256329.2, NM_001256330.2 and 1 more transcripts); c.4492C>T, p.Arg1498Trp (NM_001256332.2); c.4582C>T, p.Arg1528Trp (NM_001256359.2, NM_001256361.2); c.4588C>T, p.Arg1530Trp (NM_001256360.2); c.4594C>T, p.Arg1532Trp (NM_198376.3, NM_198379.3, NM_198382.3 and 4 more transcripts); short protein forms R1498W, R1521W, R1528W, R1530W, R1532W, R1555W.
Identifiers: ClinVar variation 4538454 (VCV004538454.1).
Genomic context (GRCh38, chr17:50,607,977, plus strand): 5'-GTGGTGGTGGAGAACTTCCACAAGTGTCGGCAGCACCAGGAGGAAGAGGAGGCCCGGCGG[C>T]GGGAGGAGAAGCGCCTACGAAGACTGGAGAAAAAGAGAAGGAGTAAGGAGAAGCAGATGG-3'
Protein context (NP_061496.2, residues 1545-1565): QHQEEEEARR[Arg1555Trp]EEKRLRRLEK

ClinVar aggregate classification (germline): Uncertain significance (1 of 4 stars; one submission).

Conditions:
Spinocerebellar ataxia type 42. Identifiers: Orphanet 458803, MedGen C4225205, MONDO:0014776, OMIM 616795.

Submission:

Clinical Genetics Laboratory, Skane University Hospital Lund
Classification: Uncertain significance for Spinocerebellar ataxia type 42. Last evaluated: 2025-12-17. Review status: criteria provided, single submitter. Criteria: ACMG Guidelines, 2015. Collection method: clinical testing. Allele origin: germline. Affected: yes.
Comment: ACMG criteria used: PM2, PP3